The following is an entry in ClinVar:

ClinVar aggregate classification (germline): Pathogenic/Likely pathogenic. Review status: criteria provided, multiple submitters, no conflicts (2 of 4 stars). 9 submissions from 9 submitters: Pathogenic (7); Likely pathogenic (2). Last evaluated 2026-01-24.

Conditions:
CNGA3-related disorders.
Achromatopsia 3 (ACHM3). Also called: PINGELAPESE BLINDNESS; TOTAL COLORBLINDNESS WITH MYOPIA; ROD MONOCHROMACY 1; ROD MONOCHROMATISM 1; ACHROMATOPSIA WITH MYOPIA. Identifiers: Orphanet 49382, MedGen C1849792, MONDO:0009875, OMIM 262300.
Retinal dystrophy. Also called: Inherited retinal dystrophy. Identifiers: Orphanet 71862, MedGen C0854723, MeSH D058499, MONDO:0019118, HP:0000556.
Achromatopsia 2 (ACHM2). Also called: ROD MONOCHROMACY 2; ROD MONOCHROMATISM 2; COLORBLINDNESS, TOTAL. Identifiers: Orphanet 49382, MedGen C1857618, MONDO:0009003, OMIM 216900.

Allele frequency attached by ClinVar (database versions not stated): gnomAD 0.00001; gnomAD exomes 0.00001 and 0.00002; TOPMed 0.00001; ExAC 0.00002.
gnomAD v4.1: 16 of 1,613,786 alleles (0.00099%); highest among the groups gnomAD compares: East Asian, 0.0089%; no homozygotes.

Submissions (9):

Labcorp Genetics (formerly Invitae), Labcorp
Classification: Pathogenic. Last evaluated: 2026-01-24. Review status: criteria provided, single submitter. Criteria: Invitae Variant Classification Sherloc (09022015). Collection method: clinical testing. Allele origin: germline.
Comment: This sequence change replaces arginine, which is basic and polar, with tryptophan, which is neutral and slightly polar, at codon 439 of the CNGA3 protein (p.Arg439Trp). This variant is present in population databases (rs749842881, gnomAD 0.01%). This missense change has been observed in individual(s) with achromatopsia or cone-rod dystrophy (PMID: 18521937, 24148654, 24903488). In at least one individual the data is consistent with being in trans (on the opposite chromosome) from a pathogenic variant. ClinVar contains an entry for this variant (Variation ID: 860883). Invitae Evidence Modeling of protein sequence and biophysical properties (such as structural, functional, and spatial information, amino acid conservation, physicochemical variation, residue mobility, and thermodynamic stability) has been performed for this missense variant. However, the output from this modeling did not meet the statistical confidence thresholds required to predict the impact of this variant on CNGA3 protein function. Experimental studies have shown that this missense change affects CNGA3 function (PMID: 18521937). For these reasons, this variant has been classified as Pathogenic.

SingHealth Duke-NUS Institute of Precision Medicine
Classification: Likely pathogenic for Achromatopsia 3. Last evaluated: 2025-02-05. Review status: criteria provided, single submitter. Criteria: PRISM ACMG Classification Criteria. Collection method: clinical testing. Allele origin: germline. Affected: yes.
Comment: Variant is located in a mutational hotspot where >50% of variants are pathogenic (PM1). Homozygous allele count in gnomAD exomes and genomes are less than 0 (PM2). REVEL score is 0.833 (PP3_mod). Experimental studies have shown that this missense change affects CNGA3 function (PS3, PMID: 18521937)

Blueprint Genetics
Classification: Pathogenic for CNGA3-related disorders. Last evaluated: 2024-09-23. Review status: criteria provided, single submitter. Criteria: ACMG Guidelines, 2015. Collection method: clinical testing. Allele origin: germline. Affected: yes. Observed: 5 variant alleles.

GeneDx
Classification: Pathogenic. Last evaluated: 2024-01-09. Review status: criteria provided, single submitter. Criteria: GeneDx Variant Classification Process June 2021. Collection method: clinical testing. Allele origin: germline. Affected: yes.
Comment: Published functional studies demonstrate a damaging effect with disturbed surface expression (PMID: 18521937); In silico analysis supports that this missense variant has a deleterious effect on protein structure/function; This variant is associated with the following publications: (PMID: 18521937, 26992781, 24903488)

Fulgent Genetics
Classification: Likely pathogenic for Achromatopsia 2. Last evaluated: 2024-01-05. Review status: criteria provided, single submitter. Criteria: ACMG Guidelines, 2015. Collection method: clinical testing. Allele origin: germline.

3billion
Classification: Pathogenic for Achromatopsia 2. Last evaluated: 2022-05-22. Review status: criteria provided, single submitter. Criteria: ACMG Guidelines, 2015. Collection method: clinical testing. Allele origin: germline. Affected: yes. Observed: 1 heterozygote.
Comment: The variant is observed at an extremely low frequency in the gnomAD v2.1.1 dataset (total allele frequency: 0.002%). Missense changes are a common disease-causing mechanism. Functional studies provide strong evidence of the variant having a damaging effect on the gene or gene product (PMID:18521937). In silico tool predictions suggest damaging effect of the variant on gene or gene product (REVEL: 0.83; 3Cnet: 0.63). Same nucleotide change resulting in same amino acid change has been previously reported as pathogenic/likely pathogenic with strong evidence (ClinVar ID: VCV000860883). The variant has been reported to be in trans with a pathogenic variant as either compound heterozygous or homozygous in at least one similarly affected unrelated individual (PMID: 18521937). Therefore, this variant is classified as pathogenic according to the recommendation of ACMG/AMP guideline.

Revvity Omics, Revvity
Classification: Pathogenic for Achromatopsia 2. Last evaluated: 2020-09-25. Review status: criteria provided, single submitter. Criteria: ACMG Guidelines, 2015. Collection method: clinical testing. Allele origin: germline.

Institute of Human Genetics, Univ. Regensburg, Univ. Regensburg
Classification: Pathogenic for Retinal dystrophy. Last evaluated: 2010-01-01. Review status: criteria provided, single submitter. Criteria: ACMG Guidelines, 2015. Collection method: clinical testing. Allele origin: germline. Affected: yes.

Juno Genomics, Hangzhou Juno Genomics, Inc
Classification: Pathogenic for Achromatopsia 2. Review status: criteria provided, single submitter. Criteria: ACMG Guidelines, 2015. Collection method: clinical testing. Allele origin: germline. Affected: yes.
Comment: For recessive disorders, detected in trans with a pathogenic variant.;Well-established in vitro or in vivo functional studies supportive of a damaging effect on the gene or gene product.;Absent from controls (or at extremely low frequency if recessive) in Genome Aggregation Database, Exome Sequencing Project, 1000 Genomes Project, or Exome Aggregation Consortium.;Multiple lines of computational evidence support a deleterious effect on the gene or gene product (conservation, evolutionary, splicing impact, etc).;Patient's phenotype or family history is highly specific for a disease with a single genetic etiology.

Literature cited by the submitters: PubMed 18521937 (cited by 4 submitters); PubMed 24148654 (cited by Labcorp Genetics (formerly Invitae), Labcorp); PubMed 24903488 (cited by Labcorp Genetics (formerly Invitae), Labcorp); PubMed 26992781 (cited by Institute of Human Genetics, Univ. Regensburg, Univ. Regensburg); PubMed 31964843 (cited by Institute of Human Genetics, Univ. Regensburg, Univ. Regensburg); PubMed 33749171 (cited by Institute of Human Genetics, Univ. Regensburg, Univ. Regensburg).

NM_001298.3(CNGA3):c.1315C>T (p.Arg439Trp)

Gene: CNGA3 (cyclic nucleotide gated channel subunit alpha 3; plus strand). Cytogenetic location: 2q11.2.
Variant type: single nucleotide variant.
Coding change: c.1315C>T on transcript NM_001298.3 (MANE Select); coding-DNA position 1315, C replaced by T.
Protein change: p.Arg439Trp; replaces arginine 439 with tryptophan.
Molecular consequence: missense variant.
Genome position (GRCh38, 1-based): chr2:98,396,485, C>T. VCF-style: chr2-98396485-C-T. GRCh37 (hg19) VCF-style: chr2-99012948-C-T.
Other names: c.1261C>T, p.Arg421Trp (NM_001079878.2); short protein forms R439W, R421W.
Identifiers: ClinVar variation 860883 (VCV000860883.22), dbSNP rs749842881, ClinGen allele CA1793986.